The following is an entry in ClinVar:

NM_030930.4(UNC93B1):c.261_262delinsAA (p.Leu88Met)

Gene: UNC93B1 (unc-93B1 regulator of TLR signaling; minus strand). Cytogenetic location: 11q13.2.
Variant type: Indel.
Coding change: c.261_262delinsAA on transcript NM_030930.4 (MANE Select); coding-DNA positions 261 to 262, CC replaced by AA.
Protein change: p.Leu88Met; replaces leucine 88 with methionine.
Molecular consequence: missense variant.
Genome position (GRCh38, 1-based): chr11:68,003,152-68,003,153, GG replaced by TT on the plus strand (CC replaced by AA on the coding strand, the reverse complement: UNC93B1 is on the minus strand). VCF-style: chr11-68003152-GG-TT. GRCh37 (hg19) VCF-style: chr11-67770622-GG-TT.
Other names: short protein forms L88M.
Identifiers: ClinVar variation 1715245 (VCV001715245.6), dbSNP rs2495498049, ClinGen allele CA2580084696.

ClinVar aggregate classification (germline): Uncertain significance (1 of 4 stars; one submission).

Conditions:
Encephalopathy, acute, infection-induced (herpes-specific), susceptibility to, 1. Also called: Herpes simplex encephalitis, susceptibility to, 1. Identifiers: Orphanet 1930, MedGen C2750180, MONDO:0024563, OMIM 610551.

Submission:

Labcorp Genetics (formerly Invitae), Labcorp
Classification: Uncertain significance for Encephalopathy, acute, infection-induced (herpes-specific), susceptibility to, 1. Last evaluated: 2022-08-05. Review status: criteria provided, single submitter. Criteria: Invitae Variant Classification Sherloc (09022015). Collection method: clinical testing. Allele origin: germline.
Comment: In summary, the available evidence is currently insufficient to determine the role of this variant in disease. Therefore, it has been classified as a Variant of Uncertain Significance. Experimental studies and prediction algorithms are not available or were not evaluated, and the functional significance of this variant is currently unknown. This variant has not been reported in the literature in individuals affected with UNC93B1-related conditions. Information on the frequency of this variant in the gnomAD database is not available, as this variant may be reported differently in the database. This sequence change replaces leucine, which is neutral and non-polar, with methionine, which is neutral and non-polar, at codon 88 of the UNC93B1 protein (p.Leu88Met).